The following is an entry in ClinVar:

NM_001371596.2(MFSD8):c.1228T>C (p.Tyr410His)

Gene: MFSD8 (major facilitator superfamily domain containing 8; minus strand). Cytogenetic location: 4q28.2.
Variant type: single nucleotide variant.
Coding change: c.1228T>C on transcript NM_001371596.2 (MANE Select); coding-DNA position 1228, T replaced by C.
Protein change: p.Tyr410His; replaces tyrosine 410 with histidine.
Molecular consequence: missense variant.
Genome position (GRCh38, 1-based): chr4:127,921,646, A>G on the plus strand (T>C on the coding strand, the complement: MFSD8 is on the minus strand). VCF-style: chr4-127921646-A-G. GRCh37 (hg19) VCF-style: chr4-128842801-A-G.
Other names: c.1027T>C, p.Tyr343His (NM_001363520.3); c.913T>C, p.Tyr305His (NM_001363521.3); c.1093T>C, p.Tyr365His (NM_001371590.2); c.1228T>C, p.Tyr410His (NM_001371591.2, NM_152778.4); c.1234T>C, p.Tyr412His (NM_001371592.2); c.1114T>C, p.Tyr372His (NM_001371593.2); c.1081T>C, p.Tyr361His (NM_001371594.2); c.946T>C, p.Tyr316His (NM_001371595.1); and 2 more; short protein forms Y365H, Y316H, Y410H, Y412H, Y343H, Y305H, Y361H, Y372H.
Identifiers: ClinVar variation 1446647 (VCV001446647.9), dbSNP rs777361767, ClinGen allele CA3077264.

ClinVar aggregate classification (germline): Uncertain significance. Review status: criteria provided, multiple submitters, no conflicts (2 of 4 stars). 3 submissions from 3 submitters: Uncertain significance (3). Last evaluated 2023-06-20.

Conditions:
Inborn genetic diseases. Identifiers: MedGen C0950123, MeSH D030342.
Neuronal ceroid lipofuscinosis 7 (CLN7). Also called: MFSD8-Related Neuronal Ceroid-Lipofuscinosis. Identifiers: Orphanet 168491, Orphanet 228366, MedGen C1838571, MONDO:0012588, OMIM 610951.

Allele frequency attached by ClinVar (database versions not stated): gnomAD exomes below 0.00001 and 0.00001; TOPMed below 0.00001; ExAC 0.00001.
gnomAD v4.1: 7 of 1,614,228 alleles (0.00043%); highest among the groups gnomAD compares: South Asian, 0.0055%; no homozygotes.

Submissions (3):

Blueprint Genetics
Classification: Uncertain significance. Last evaluated: 2023-06-20. Review status: criteria provided, single submitter. Criteria: ACMG Guidelines, 2015. Collection method: clinical testing. Allele origin: germline.

Labcorp Genetics (formerly Invitae), Labcorp
Classification: Uncertain significance for Neuronal ceroid lipofuscinosis 7. Last evaluated: 2022-08-01. Review status: criteria provided, single submitter. Criteria: Invitae Variant Classification Sherloc (09022015). Collection method: clinical testing. Allele origin: germline.
Comment: This sequence change replaces tyrosine, which is neutral and polar, with histidine, which is basic and polar, at codon 410 of the MFSD8 protein (p.Tyr410His). This variant is present in population databases (rs777361767, gnomAD 0.006%). This variant has not been reported in the literature in individuals affected with MFSD8-related conditions. ClinVar contains an entry for this variant (Variation ID: 1446647). Algorithms developed to predict the effect of missense changes on protein structure and function (SIFT, PolyPhen-2, Align-GVGD) all suggest that this variant is likely to be tolerated. In summary, the available evidence is currently insufficient to determine the role of this variant in disease. Therefore, it has been classified as a Variant of Uncertain Significance.

Ambry Genetics
Classification: Uncertain significance for Inborn genetic diseases. Last evaluated: 2017-06-15. Review status: criteria provided, single submitter. Criteria: Ambry Variant Classification Scheme 2023. Collection method: clinical testing. Allele origin: germline.
Comment: The p.Y410H variant (also known as c.1228T>C), located in coding exon 11 of the MFSD8 gene, results from a T to C substitution at nucleotide position 1228. The tyrosine at codon 410 is replaced by histidine, an amino acid with similar properties. This amino acid position is not well conserved in available vertebrate species. In addition, this alteration is predicted to be tolerated by in silico analysis. Since supporting evidence is limited at this time, the clinical significance of this alteration remains unclear.